The following is an entry in ClinVar:

ClinVar aggregate classification (germline): Uncertain significance. Review status: criteria provided, multiple submitters, no conflicts (2 of 4 stars). 2 submissions from 2 submitters: Uncertain significance (2). Last evaluated 2026-06-01.

Conditions:
PCNT-related disorder. Also called: PCNT-related condition.

Allele frequency attached by ClinVar (database versions not stated): gnomAD 0.00001; gnomAD exomes 0.00001 and 0.00002; ExAC 0.00002; TOPMed 0.00003.
gnomAD v4.1: 10 of 1,613,918 alleles (0.00062%); highest among the groups gnomAD compares: Admixed American, 0.0083%; no homozygotes.

Submissions (2):

PreventionGenetics, part of Exact Sciences
Classification: Uncertain significance for PCNT-related condition. Last evaluated: 2026-06-01. Review status: criteria provided, single submitter. Criteria: ACMG Guidelines, 2015. Collection method: clinical testing. Allele origin: germline.
Comment: The PCNT c.8106T>A variant is predicted to result in the amino acid substitution p.Ser2702Arg. To our knowledge, this variant has not been reported in the literature. This variant is reported in 0.0087% of alleles in individuals of Latino descent in gnomAD. At this time, the clinical significance of this variant is uncertain due to the absence of conclusive functional and genetic evidence.

Labcorp Genetics (formerly Invitae), Labcorp
Classification: Uncertain significance. Last evaluated: 2025-01-01. Review status: criteria provided, single submitter. Criteria: Invitae Variant Classification Sherloc (09022015). Collection method: clinical testing. Allele origin: germline.
Comment: This sequence change replaces serine, which is neutral and polar, with arginine, which is basic and polar, at codon 2702 of the PCNT protein (p.Ser2702Arg). This variant is present in population databases (rs752649239, gnomAD 0.009%). This variant has not been reported in the literature in individuals affected with PCNT-related conditions. ClinVar contains an entry for this variant (Variation ID: 1466160). An algorithm developed to predict the effect of missense changes on protein structure and function (PolyPhen-2) suggests that this variant is likely to be disruptive. In summary, the available evidence is currently insufficient to determine the role of this variant in disease. Therefore, it has been classified as a Variant of Uncertain Significance.

NM_006031.6(PCNT):c.8106T>A (p.Ser2702Arg)

Gene: PCNT (pericentrin; plus strand). Cytogenetic location: 21q22.3.
Variant type: single nucleotide variant.
Coding change: c.8106T>A on transcript NM_006031.6 (MANE Select); coding-DNA position 8106, T replaced by A.
Protein change: p.Ser2702Arg; replaces serine 2702 with arginine.
Molecular consequence: missense variant.
Genome position (GRCh38, 1-based): chr21:46,431,570, T>A. VCF-style: chr21-46431570-T-A. GRCh37 (hg19) VCF-style: chr21-47851484-T-A.
Other names: c.7752T>A, p.Ser2584Arg (NM_001315529.2); c.8106T>A (NM_006031.5); short protein forms S2584R, S2702R.
Identifiers: ClinVar variation 1466160 (VCV001466160.7), dbSNP rs752649239, ClinGen allele CA10080891.